The following is an entry in ClinVar:

NM_001035.3(RYR2):c.113C>A (p.Ala38Glu)

Gene: RYR2 (ryanodine receptor 2; plus strand). Cytogenetic location: 1q43.
Variant type: single nucleotide variant.
Coding change: c.113C>A on transcript NM_001035.3 (MANE Select); coding-DNA position 113, C replaced by A.
Protein change: p.Ala38Glu; replaces alanine 38 with glutamic acid.
Molecular consequence: missense variant.
Genome position (GRCh38, 1-based): chr1:237,270,561, C>A. VCF-style: chr1-237270561-C-A. GRCh37 (hg19) VCF-style: chr1-237433861-C-A.
Other names: short protein forms A38E.
Identifiers: ClinVar variation 1063848 (VCV001063848.10), dbSNP rs1689579128, ClinGen allele CA345654400.

ClinVar aggregate classification (germline): Uncertain significance (1 of 4 stars; one submission).

Conditions:
Catecholaminergic polymorphic ventricular tachycardia 1. Also called: VENTRICULAR TACHYCARDIA, CATECHOLAMINERGIC POLYMORPHIC, 1, WITH OR WITHOUT ATRIAL DYSFUNCTION AND/OR DILATED CARDIOMYOPATHY; RYR2-Related Catecholaminergic Polymorphic Ventricular Tachycardia; VENTRICULAR TACHYCARDIA, STRESS-INDUCED POLYMORPHIC 1. Identifiers: Orphanet 3286, MedGen C1631597, MONDO:0011484, OMIM 604772.

Submission:

Labcorp Genetics (formerly Invitae), Labcorp
Classification: Uncertain significance for Catecholaminergic polymorphic ventricular tachycardia 1. Last evaluated: 2020-05-04. Review status: criteria provided, single submitter. Criteria: Invitae Variant Classification Sherloc (09022015). Collection method: clinical testing. Allele origin: germline.
Comment: This sequence change replaces alanine with glutamic acid at codon 38 of the RYR2 protein (p.Ala38Glu). The alanine residue is moderately conserved and there is a moderate physicochemical difference between alanine and glutamic acid. In summary, the available evidence is currently insufficient to determine the role of this variant in disease. Therefore, it has been classified as a Variant of Uncertain Significance. Algorithms developed to predict the effect of missense changes on protein structure and function (SIFT, PolyPhen-2, Align-GVGD) all suggest that this variant is likely to be tolerated, but these predictions have not been confirmed by published functional studies and their clinical significance is uncertain. This variant has not been reported in the literature in individuals with RYR2-related conditions. This variant is not present in population databases (ExAC no frequency).